The following is an entry in ClinVar:

NM_007294.4(BRCA1):c.4545G>T (p.Gly1515=)

Gene: BRCA1 (BRCA1 DNA repair associated; minus strand). Cytogenetic location: 17q21.31.
Variant type: single nucleotide variant.
Coding change: c.4545G>T on transcript NM_007294.4 (MANE Select); coding-DNA position 4545, G replaced by T.
Protein change: p.Gly1515=; no amino-acid change (glycine 1515 retained).
Molecular consequence: synonymous variant. On other transcripts: intron variant (3).
Genome position (GRCh38, 1-based): chr17:43,074,461, C>A on the plus strand (G>T on the coding strand, the complement: BRCA1 is on the minus strand). VCF-style: chr17-43074461-C-A. GRCh37 (hg19) VCF-style: chr17-41226478-C-A.
Other names: c.4542G>T, p.Gly1514= (NM_001407613.1, NM_001407614.1, NM_001407615.1 and 17 more transcripts); c.4539G>T, p.Gly1513= (NM_001407627.1, NM_001407628.1, NM_001407629.1 and 14 more transcripts); c.4536G>T, p.Gly1512= (NM_001407644.1, NM_001407645.1); c.4533G>T, p.Gly1511= (NM_001407646.1); c.4530G>T, p.Gly1510= (NM_001407647.1); c.4488G>T, p.Gly1496= (NM_001407648.1); c.4485G>T, p.Gly1495= (NM_001407649.1); c.4545G>T, p.Gly1515= (NM_001407652.1, NM_001407684.1, NM_001407854.1 and 8 more transcripts); and 71 more.
Identifiers: ClinVar variation 184771 (VCV000184771.21), dbSNP rs755731300, ClinGen allele CA002900.

ClinVar aggregate classification (germline): Likely benign. Review status: reviewed by expert panel (3 of 4 stars). 4 submissions from 4 submitters: Likely benign (1). 3 of the submissions do not count toward it. Last evaluated 2017-06-29.

Conditions:
Hereditary breast ovarian cancer syndrome. Also called: Hereditary breast and ovarian cancer syndrome; Hereditary breast and ovarian cancer syndrome (HBOC); BRCA1- and BRCA2-Associated Hereditary Breast and Ovarian Cancer; Breast and ovarian cancer; Hereditary breast and ovarian cancer; Hereditary breast and/or ovarian cancer syndrome. Identifiers: Orphanet 145, MedGen C0677776, MeSH D061325, MONDO:0003582. Disease mechanism: loss of function.
Hereditary cancer-predisposing syndrome. Also called: Hereditary Cancer Syndrome; Hereditary neoplastic syndrome; Tumor predisposition; Neoplastic Syndromes, Hereditary. Identifiers: Orphanet 140162, MedGen C0027672, MeSH D009386, MONDO:0015356.
Breast-ovarian cancer, familial, susceptibility to, 1 (BROVCA1). Also called: OVARIAN CANCER, SUSCEPTIBILITY TO; BRCA1 Hereditary Breast and Ovarian Cancer. Identifiers: Orphanet 145, MedGen C2676676, MONDO:0011450, OMIM 604370. Disease mechanism: loss of function.

Submissions (4):

Evidence-based Network for the Interpretation of Germline Mutant Alleles (ENIGMA)
Classification: Likely benign for Breast-ovarian cancer, familial, susceptibility to, 1. Last evaluated: 2017-06-29. Review status: reviewed by expert panel. Criteria: ENIGMA BRCA1/2 Classification Criteria (2017-06-29). Collection method: curation. Allele origin: germline.
Comment: Synonymous substitution variant, with low bioinformatic likelihood to result in a splicing aberration (Splicing prior probability 0.02).

Labcorp Genetics (formerly Invitae), Labcorp
Classification: Likely benign for Hereditary breast ovarian cancer syndrome. Last evaluated: 2025-03-04. Review status: criteria provided, single submitter. Criteria: Invitae Variant Classification Sherloc (09022015). Collection method: clinical testing. Allele origin: germline. Not counted in ClinVar's aggregate classification.

Color Diagnostics, LLC DBA Color Health
Classification: Likely benign for Hereditary cancer-predisposing syndrome. Last evaluated: 2022-12-27. Review status: criteria provided, single submitter. Criteria: ACMG Guidelines, 2015. Collection method: clinical testing. Allele origin: germline. Not counted in ClinVar's aggregate classification.

Ambry Genetics
Classification: Likely benign for Hereditary cancer-predisposing syndrome. Last evaluated: 2016-08-01. Review status: criteria provided, single submitter. Criteria: Ambry Variant Classification Scheme 2023. Collection method: clinical testing. Allele origin: germline. Not counted in ClinVar's aggregate classification.